The following is an entry in ClinVar:

NM_020937.4(FANCM):c.292A>G (p.Ile98Val)

Gene: FANCM (FA complementation group M; plus strand). Cytogenetic location: 14q21.2.
Variant type: single nucleotide variant.
Coding change: c.292A>G on transcript NM_020937.4 (MANE Select); coding-DNA position 292, A replaced by G.
Protein change: p.Ile98Val; replaces isoleucine 98 with valine.
Molecular consequence: missense variant.
Genome position (GRCh38, 1-based): chr14:45,136,323, A>G. VCF-style: chr14-45136323-A-G. GRCh37 (hg19) VCF-style: chr14-45605526-A-G.
Other names: c.292A>G, p.Ile98Val (NM_001308133.2, NM_001308134.2); short protein forms I98V.
Identifiers: ClinVar variation 4022635 (VCV004022635.1).
Genomic context (GRCh38, chr14:45,136,323, plus strand): 5'-TCCGCGGGCGCCCTGTGGATTTACCCTACCAATTGCCCAGTGCGGGACTACCAGCTGCAC[A>G]TTTCCCGGGCTGCTCTGTTTTGCAATACGCTGGTGTGTCTGCCTACCGGACTGGGAAAGA-3'
Protein context (NP_065988.1, residues 88-108): NCPVRDYQLH[Ile98Val]SRAALFCNTL

ClinVar aggregate classification (germline): Uncertain significance (1 of 4 stars; one submission).

Conditions:
Inborn genetic diseases. Identifiers: MedGen C0950123, MeSH D030342.

gnomAD v4.1: 3 of 1,614,020 alleles (0.00019%); highest among the groups gnomAD compares: Non-Finnish European, 0.00017%; no homozygotes.

Submission:

Ambry Genetics
Classification: Uncertain significance for Inborn genetic diseases. Last evaluated: 2025-03-30. Review status: criteria provided, single submitter. Criteria: Ambry Variant Classification Scheme 2023. Collection method: clinical testing. Allele origin: germline.
Comment: The p.I98V variant (also known as c.292A>G), located in coding exon 1 of the FANCM gene, results from an A to G substitution at nucleotide position 292. The isoleucine at codon 98 is replaced by valine, an amino acid with highly similar properties. This amino acid position is conserved. In addition, this alteration is predicted to be tolerated by in silico analysis. Based on the available evidence, the clinical significance of this variant remains unclear.